The following is an entry in ClinVar:

ClinVar aggregate classification (germline): Uncertain significance. Review status: reviewed by expert panel (3 of 4 stars). 2 submissions from 2 submitters: Uncertain significance (1). 1 of the submissions does not count toward it. Last evaluated 2024-11-17.

Conditions:
Phenylketonuria (PKU). Also called: Phenylketonuria (PKU); FOLLING DISEASE; OLIGOPHRENIA PHENYLPYRUVICA; Phenylketonurias. Identifiers: Orphanet 716, MedGen C0031485, MONDO:0009861, OMIM 261600. Disease mechanism: loss of function.

Submissions (2):

ClinGen PAH Variant Curation Expert Panel
Classification: Uncertain significance for Phenylketonuria. Last evaluated: 2024-11-17. Review status: reviewed by expert panel. Criteria: ClinGen PAH ACMG Specifications v1. Collection method: curation. Allele origin: germline. Inheritance: Autosomal recessive inheritance.
Comment: It is absent from gnomAD. Computational evidence supports a deleterious effect (REVEL=0.668). In summary, this variant meets criteria to be classified as uncertain significance for PAH. PAH-specific ACMG/AMP criteria applied: PM2_supporting, PP3, PP4.

DeBelle Laboratory for Biochemical Genetics, MUHC/MCH RESEARCH INSTITUTE
No classification provided. Review status: no classification provided. Collection method: not provided. Allele origin: not provided. Not counted in ClinVar's aggregate classification.

NM_000277.3(PAH):c.479A>C (p.Gln160Pro)

Gene: PAH (phenylalanine hydroxylase; minus strand). Cytogenetic location: 12q23.2.
Variant type: single nucleotide variant.
Coding change: c.479A>C on transcript NM_000277.3 (MANE Select); coding-DNA position 479, A replaced by C.
Protein change: p.Gln160Pro; replaces glutamine 160 with proline.
Molecular consequence: missense variant.
Genome position (GRCh38, 1-based): chr12:102,866,626, T>G on the plus strand (A>C on the coding strand, the complement: PAH is on the minus strand). VCF-style: chr12-102866626-T-G. GRCh37 (hg19) VCF-style: chr12-103260404-T-G.
Other names: NM_000277.3(PAH):c.479A>C; c.479A>C, p.Gln160Pro (NM_001354304.2); short protein forms Q160P.
Identifiers: ClinVar variation 102695 (VCV000102695.2), dbSNP rs199475601, ClinGen allele CA229573.
Genomic context (GRCh38, chr12:102,866,626, plus strand): 5'-TCTTCCCCTCAACAAGCAAGGCAGACTTACTGGCGGTAGTTGTAGGCAATGTCAGCAAAC[T>G]GCTTCCGTCTTGCACGGTACACAGGATCTTTAAAACCCTAGGAGAAAAGAGACACCTGAT-3'
Protein context (NP_000268.1, residues 150-170): KDPVYRARRK[Gln160Pro]FADIAYNYRH